The following is an entry in ClinVar:

NM_001303256.3(MORC2):c.1181A>G (p.Tyr394Cys)

Gene: MORC2 (MORC family CW-type zinc finger 2; minus strand). Cytogenetic location: 22q12.2.
Variant type: single nucleotide variant.
Coding change: c.1181A>G on transcript NM_001303256.3 (MANE Select); coding-DNA position 1181, A replaced by G.
Protein change: p.Tyr394Cys; replaces tyrosine 394 with cysteine.
Molecular consequence: missense variant.
Genome position (GRCh38, 1-based): chr22:30,938,098, T>C on the plus strand (A>G on the coding strand, the complement: MORC2 is on the minus strand). VCF-style: chr22-30938098-T-C. GRCh37 (hg19) VCF-style: chr22-31334085-T-C.
Other names: c.1181A>G, p.Tyr394Cys (NM_001303257.2); c.995A>G, p.Tyr332Cys (NM_014941.3); short protein forms Y332C, Y394C.
Identifiers: ClinVar variation 432089 (VCV000432089.25), dbSNP rs1555938796, ClinGen allele CA411239301.

ClinVar aggregate classification (germline): Pathogenic/Likely pathogenic. Review status: criteria provided, multiple submitters, no conflicts (2 of 4 stars). 9 submissions from 9 submitters: Pathogenic (7); Likely pathogenic (1). 1 of the submissions does not count toward it. Last evaluated 2025-04-01.

Conditions:
Inborn genetic diseases. Identifiers: MedGen C0950123, MeSH D030342.
MORC2-related disorder. Also called: MORC2-related condition.
Charcot-Marie-Tooth disease axonal type 2Z. Also called: CHARCOT-MARIE-TOOTH DISEASE, AXONAL, AUTOSOMAL DOMINANT, TYPE 2Z; CHARCOT-MARIE-TOOTH NEUROPATHY, TYPE 2Z. Identifiers: Orphanet 466768, MedGen C5569025, MONDO:0014736, OMIM 616688.

Submissions (9):

Revvity Omics, Revvity
Classification: Pathogenic. Last evaluated: 2025-04-01. Review status: criteria provided, single submitter. Criteria: ACMG Guidelines, 2015. Collection method: clinical testing. Allele origin: germline.

Ambry Genetics
Classification: Pathogenic for Inborn genetic diseases. Last evaluated: 2024-10-15. Review status: criteria provided, single submitter. Criteria: Ambry Variant Classification Scheme 2023. Collection method: clinical testing. Allele origin: germline.
Comment: The c.995A>G (p.Y332C) alteration is located in exon 14 (coding exon 10) of the MORC2 gene. This alteration results from a A to G substitution at nucleotide position 995, causing the tyrosine (Y) at amino acid position 332 to be replaced by a cysteine (C). This variant was not reported in population-based cohorts in the Genome Aggregation Database (gnomAD). This variant has been determined to be the result of a de novo mutation or observed heterozygous in multiple individuals with features consistent with MORC2-related neurological disorder (Brunet, 2021; Guillen Sacoto, 2020; Frongia, 2021; Ando, 2017; Sivera, 2021). This amino acid position is highly conserved in available vertebrate species. This alteration is predicted to be deleterious by in silico analysis. Based on the available evidence, this alteration is classified as pathogenic.

ARUP Laboratories, Molecular Genetics and Genomics, ARUP Laboratories
Classification: Pathogenic. Last evaluated: 2024-10-03. Review status: criteria provided, single submitter. Criteria: ARUP Molecular Germline Variant Investigation Process 2024. Collection method: clinical testing. Allele origin: germline.
Comment: The MORC2 c.1181A>G; p.Tyr394Cys variant (rs1555938796; ClinVar Variation ID: 432089), also known as NM_014941.3: p.Tyr332Cys, is reported in the literature in multiple individuals with MORC2-related neurodevelopmental disorders and is commonly reported to occur de novo (Ando 2017, Brunet 2021, Frongia 2021, Guillen Sacoto 2020, Sivera 2021, Zech 2020). This variant is absent from the Genome Aggregation Database (v2.1.1), indicating it is not a common polymorphism. Computational analyses predict that this variant is deleterious (REVEL: 0.811). Based on available information, this variant is considered to be pathogenic. References: Ando M et al. Clinical and mutational spectrum of Charcot-Marie-Tooth disease type 2Z caused by MORC2 variants in Japan. Eur J Neurol. 2017 Oct;24(10):1274-1282. PMID: 28771897. Brunet T et al. De novo variants in neurodevelopmental disorders-experiences from a tertiary care center. Clin Genet. 2021 Jul;100(1):14-28. PMID: 33619735. Frongia I et al. Infantile-Onset Charcot-Marie-Tooth Disease With Pyramidal Features and White Matter Abnormalities Due to a De novo MORC2 Gene Variant: A Case Report and Brief Review of the Literature. Front Neurol. 2021 Sep 22;12:718808. PMID: 34630290. Guillen Sacoto MJ et al. De Novo Variants in the ATPase Module of MORC2 Cause a Neurodevelopmental Disorder with Growth Retardation and Variable Craniofacial Dysmorphism. Am J Hum Genet. 2020 Aug 6;107(2):352-363. PMID: 32693025. Sivera R et al. Charcot-Marie-Tooth disease due to MORC2 mutations in Spain. Eur J Neurol. 2021 Sep;28(9):3001-3011. PMID: 34189813. Zech M et al. Monogenic variants in dystonia: an exome-wide sequencing study. Lancet Neurol. 2020 Nov;19(11):908-918. PMID: 33098801.

Labcorp Genetics (formerly Invitae), Labcorp
Classification: Pathogenic for Charcot-Marie-Tooth disease axonal type 2Z. Last evaluated: 2023-12-18. Review status: criteria provided, single submitter. Criteria: Invitae Variant Classification Sherloc (09022015). Collection method: clinical testing. Allele origin: germline.
Comment: This sequence change replaces tyrosine, which is neutral and polar, with cysteine, which is neutral and slightly polar, at codon 394 of the MORC2 protein (p.Tyr394Cys). This variant is not present in population databases (gnomAD no frequency). This missense change has been observed in individual(s) with clinical features of MORC2-related conditions (PMID: 28771897, 32693025). In at least one individual the variant was observed to be de novo. ClinVar contains an entry for this variant (Variation ID: 432089). Advanced modeling of protein sequence and biophysical properties (such as structural, functional, and spatial information, amino acid conservation, physicochemical variation, residue mobility, and thermodynamic stability) performed at Invitae indicates that this missense variant is expected to disrupt MORC2 protein function with a positive predictive value of 95%. For these reasons, this variant has been classified as Pathogenic.

Institute of Immunology and Genetics Kaiserslautern
Classification: Likely pathogenic for Charcot-Marie-Tooth disease axonal type 2Z. Last evaluated: 2022-09-12. Review status: criteria provided, single submitter. Criteria: ACMG Guidelines, 2015. Collection method: clinical testing. Allele origin: de novo. Affected: yes.
Comment: ACMG Criteria: PS2, PM2, PP3, PP5; Variant was found in heterozygous state. De novo-status was confirmed via in-house segregation analysis.

GeneDx
Classification: Pathogenic. Last evaluated: 2021-09-17. Review status: criteria provided, single submitter. Criteria: GeneDx Variant Classification Process June 2021. Collection method: clinical testing. Allele origin: germline. Affected: yes.
Comment: In silico analysis, which includes protein predictors and evolutionary conservation, supports a deleterious effect; Not observed in large population cohorts (Lek et al., 2016); This variant is associated with the following publications: (PMID: 34189813, 28771897, 32693025, 33098801)

Blueprint Genetics
Classification: Pathogenic for MORC2-related disorders. Last evaluated: 2018-11-08. Review status: criteria provided, single submitter. Criteria: ACMG Guidelines, 2015. Collection method: clinical testing. Allele origin: germline. Affected: yes. Observed: 1 variant allele.

Institute of Human Genetics Munich, TUM University Hospital
Classification: Pathogenic for Charcot-Marie-Tooth disease axonal type 2Z. Last evaluated: 2018-04-18. Review status: criteria provided, single submitter. Criteria: Classification criteria August 2017. Collection method: clinical testing. Allele origin: de novo. Inheritance: Autosomal dominant inheritance. Affected: yes. Observed: 1 heterozygote.

PreventionGenetics, part of Exact Sciences
Classification: Pathogenic for MORC2-related condition. Last evaluated: 2024-02-17. Review status: no assertion criteria provided. Collection method: clinical testing. Allele origin: germline. Not counted in ClinVar's aggregate classification.
Comment: The MORC2 c.1181A>G variant is predicted to result in the amino acid substitution p.Tyr394Cys. This variant was reported in individuals with neurodevelopmental disorders or suspected Charcot-Marie-Tooth disease; in several, this variant arose de novo (see, for example, Guillen Sacoto et al. 2020. PubMed ID: 32693025; Zech et al. 2020. PubMed ID: 33098801, supplementary data, reported as p.Tyr332Cys; Sivera et al. 2021. PubMed ID: 34189813; Frongia et al. 2021. PubMed ID: 34630290). This variant has not been reported in a large population database, indicating this variant is rare. This variant is interpreted as pathogenic.

Literature cited by the submitters: PubMed 28771897 (cited by Ambry Genetics and Labcorp Genetics (formerly Invitae), Labcorp); PubMed 32693025 (cited by Ambry Genetics and Labcorp Genetics (formerly Invitae), Labcorp); PubMed 33619735 (cited by Ambry Genetics); PubMed 34189813 (cited by Ambry Genetics); PubMed 34630290 (cited by Ambry Genetics).